The following continues an entry in ClinVar:

NM_002693.3(POLG):c.1402A>G (p.Asn468Asp)

Gene: POLG. ClinVar aggregate classification (germline): Conflicting classifications of pathogenicity. Pathogenic (2); Likely pathogenic (6); Uncertain significance (17); Likely benign (1).

Submissions 26 to 29 of 29:

Center for Genomics, Ann and Robert H. Lurie Children's Hospital of Chicago
Classification: Pathogenic for Sensory ataxic neuropathy, dysarthria, and ophthalmoparesis; Mitochondrial DNA depletion syndrome 4b; Progressive sclerosing poliodystrophy; Progressive external ophthalmoplegia with mitochondrial DNA deletions, autosomal dominant 1; Progressive external ophthalmoplegia with mitochondrial DNA deletions, autosomal recessive 1. Review status: criteria provided, single submitter. Criteria: ACMG Guidelines, 2015. Collection method: clinical testing. Allele origin: germline.
Comment: POLG NM_002693.2 exon 16 p.Gly848Ser (c.2542G>A): This variant has been reported in the literature in the compound heterozygous or homozygous state in several individuals with autosomal recessive progressive external opthalmoplegia as well as a wide variety of additional POLG-related phenotypes (Lamantea 2002 PMID:12210792, Weiss 2010 PMID:20513108, Milone 2011 PMID:21670405, Tang 2011 PMID:21880868, Scalais 2012 PMID:22342071, Uusimaa 2013 PMID:23448099, Simon 2014 PMID:2014 PMID:24272679). Literature suggests that this variant is one of the most common pathgenic variants in the POLG gene (Hakonen, 2007 PMID:17426723, Tang 2011 PMID:21880868). This variant is present in 0.03% (40/129136) of European alleles in the Genome Aggregation Database. Please note, disease causing variants may be present in control databases at low frequencies, reflective of the general population, carrier status, and/or variable expressivity. This variant is present in ClinVar, with several labs classifying this variant as pathogenic (Variation ID:13502). Evolutionary conservation and computational predictive tools suggest that this variant may impact the protein. In addition, functional studies indicate that this variant leads to decreased enzyme activity and reduced DNA binding affinity (Kasivishwanathan 2009 PMID:19478085). However, these studies may not accurately represent in vivo biological function. In summary, this variant is classified as pathogenic based on the data above.

Clinical Molecular Genetics Laboratory, Johns Hopkins All Children's Hospital
Classification: Uncertain significance for Lennox-Gastaut syndrome. Last evaluated: 2016-12-05. Review status: no assertion criteria provided. Collection method: clinical testing. Allele origin: germline. Affected: yes. Not counted in ClinVar's aggregate classification.

Clinical Genetics DNA and cytogenetics Diagnostics Lab, Erasmus MC, Erasmus Medical Center
Classification: Pathogenic. Review status: no assertion criteria provided. Collection method: clinical testing. Allele origin: germline. Affected: yes. Study: VKGL Data-share Consensus. Not counted in ClinVar's aggregate classification.

Joint Genome Diagnostic Labs from Nijmegen and Maastricht, Radboudumc and MUMC+
Classification: Pathogenic. Review status: no assertion criteria provided. Collection method: clinical testing. Allele origin: germline. Affected: yes. Study: VKGL Data-share Consensus. Not counted in ClinVar's aggregate classification.

Literature cited by the submitters: PubMed 16401742 (cited by 7 submitters); PubMed 22647225 (cited by 6 submitters); PubMed 23811324 (cited by 3 submitters); PubMed 23921535 (cited by Otogenetics and Mayo Clinic Laboratories, Mayo Clinic); PM2: Maximum gnomAD MAF of 0.0717% in European-Finnish (FIN) subpopulation (<0.267% threshold) (cited by Otogenetics); PM3_Strong: Variant reported in trans with three pathogenic variants in five individuals affected with mitochondrial DNA depletion syndrome (PMID: 16401742, 22647225, 23811324, 23921535) (cited by Otogenetics); PubMed 15181170 (cited by 4 submitters); PubMed 15351195 (cited by 6 submitters); PubMed 15913923 (cited by Mayo Clinic Laboratories, Mayo Clinic); PubMed 16545482 (cited by Mayo Clinic Laboratories, Mayo Clinic); PubMed 18502641 (cited by Mayo Clinic Laboratories, Mayo Clinic); PubMed 19578034 (cited by Mayo Clinic Laboratories, Mayo Clinic and Athena Diagnostics); PubMed 19752458 (cited by Mayo Clinic Laboratories, Mayo Clinic and Athena Diagnostics); PubMed 21880868 (cited by Mayo Clinic Laboratories, Mayo Clinic and Athena Diagnostics); PubMed 23426270 (cited by Mayo Clinic Laboratories, Mayo Clinic); PubMed 24122062 (cited by Mayo Clinic Laboratories, Mayo Clinic); PubMed 24259288 (cited by 3 submitters); PubMed 24508722 (cited by Mayo Clinic Laboratories, Mayo Clinic and Athena Diagnostics); PubMed 25203713 (cited by Mayo Clinic Laboratories, Mayo Clinic); PubMed 25582874 (cited by Mayo Clinic Laboratories, Mayo Clinic); PubMed 29029963 (cited by 3 submitters); PubMed 30255931 (cited by Mayo Clinic Laboratories, Mayo Clinic and Athena Diagnostics); PubMed 30373890 (cited by Mayo Clinic Laboratories, Mayo Clinic and Athena Diagnostics); PubMed 31658717 (cited by 3 submitters); PubMed 31669236 (cited by Mayo Clinic Laboratories, Mayo Clinic and Athena Diagnostics); PubMed 32234506 (cited by Mayo Clinic Laboratories, Mayo Clinic and Athena Diagnostics); PubMed 33513296 (cited by Mayo Clinic Laboratories, Mayo Clinic and Athena Diagnostics); PubMed 33683010 (cited by Mayo Clinic Laboratories, Mayo Clinic); PubMed 35641312 (cited by Mayo Clinic Laboratories, Mayo Clinic and Athena Diagnostics); PubMed 38943319 (cited by Mayo Clinic Laboratories, Mayo Clinic); PubMed 39333430 (cited by Mayo Clinic Laboratories, Mayo Clinic and Women's Health and Genetics/Laboratory Corporation of America, LabCorp); PubMed 40565516 (cited by Mayo Clinic Laboratories, Mayo Clinic); PubMed 29997391 (cited by Women's Health and Genetics/Laboratory Corporation of America, LabCorp and Athena Diagnostics); PubMed 28480171 (cited by Victorian Clinical Genetics Services, Murdoch Childrens Research Institute); PubMed 24331360 (cited by Illumina Laboratory Services, Illumina).